The following is an entry in ClinVar:

ClinVar aggregate classification (germline): Uncertain significance (3 of 4 stars; one submission).

Conditions:
Monogenic diabetes. Identifiers: Orphanet 183625, MedGen C3888631, MONDO:0015967.

Submission:

ClinGen Monogenic Diabetes Variant Curation Expert Panel
Classification: Uncertain significance for Monogenic diabetes. Last evaluated: 2024-12-06. Review status: reviewed by expert panel. Criteria: ClinGen Diabetes ACMG Specifications HNF4A V2.0.0. Collection method: curation. Allele origin: germline. Inheritance: Autosomal dominant inheritance.
Comment: The c.1139T>G variant in the hepatocyte nuclear factor 4 alpha gene, HNF4A, causes an amino acid change of valine to Glycine at codon 380 (p.(Val380Gly)) of NM_175914.5. This variant is absent from gnomAD v2.1.1 (PM2_Supporting). This variant has a REVEL score of 0.352, which is between the ClinGen MDEP thresholds for BP4 and PP3, predicting neither a damaging nor benign impact on HNF4A function. In summary, c.1139T>G meets the criteria to be classified as uncertain significance for monogenic diabetes. ACMG/AMP criteria applied, as specified by the ClinGen MDEP (specification version 2.0.0, approved 10/11/2023): PM2_supporting.

NM_175914.5(HNF4A):c.1139T>G (p.Val380Gly)

Gene: HNF4A (hepatocyte nuclear factor 4 alpha; plus strand). Cytogenetic location: 20q13.12.
Variant type: single nucleotide variant.
Coding change: c.1139T>G on transcript NM_175914.5 (MANE Select); coding-DNA position 1139, T replaced by G.
Protein change: p.Val380Gly; replaces valine 380 with glycine.
Molecular consequence: missense variant.
Genome position (GRCh38, 1-based): chr20:44,428,410, T>G. VCF-style: chr20-44428410-T-G. GRCh37 (hg19) VCF-style: chr20-43057050-T-G.
Other names: NM_175914.5:c.1139T>G; c.1205T>G, p.Val402Gly (NM_000457.6, NM_178849.3); c.1139T>G, p.Val380Gly (NM_001030003.3); c.1184T>G, p.Val395Gly (NM_001258355.2); c.1130T>G, p.Val377Gly (NM_001287182.2, NM_001287183.2); short protein forms V380G, V395G, V377G, V402G.
Identifiers: ClinVar variation 3393513 (VCV003393513.1).